The following is an entry in ClinVar:

ClinVar aggregate classification (germline): Benign. Review status: criteria provided, multiple submitters, no conflicts (2 of 4 stars). 19 submissions from 18 submitters: Benign (16). 3 of the submissions do not count toward it. Last evaluated 2026-02-04.

Conditions:
Polymicrogyria with or without vascular-type Ehlers-Danlos syndrome. Identifiers: Orphanet 636941, MedGen C5193040, MONDO:0032688, OMIM 618343.
Ehlers-Danlos syndrome, type 4 (EDSVASC). Also called: Ehlers-Danlos syndrome vascular type; Ehlers Danlos syndrome, ecchymotic type; Ehlers Danlos syndrome, arterial type; Ehlers Danlos syndrome, Sack-Barabas type; Ehlers-Danlos Syndrome Type IV. Identifiers: Orphanet 286, MedGen C0268338, MONDO:0017314, OMIM 130050.
Familial thoracic aortic aneurysm and aortic dissection (TAAD). Also called: Thoracic aortic aneurysms and dissections. Identifiers: Orphanet 91387, MedGen C4707243, MONDO:0019625.

Allele frequency attached by ClinVar (database versions not stated): 1000 Genomes Project 30x 0.21190; 1000 Genomes Project 0.21206; gnomAD exomes 0.23408 and 0.27227; gnomAD 0.27029 and 0.27758; TOPMed 0.27924; ESP Exome Variant Server 0.28503; ExAC 0.31376.
gnomAD v4.1: 433,856 of 1,594,368 alleles (27%); highest among the groups gnomAD compares: Middle Eastern, 38%; 61,659 homozygotes.

Submissions (19):

Labcorp Genetics (formerly Invitae), Labcorp
Classification: Benign for Ehlers-Danlos syndrome, type 4. Last evaluated: 2026-02-04. Review status: criteria provided, single submitter. Criteria: Invitae Variant Classification Sherloc (09022015). Collection method: clinical testing. Allele origin: germline.

ARUP Laboratories, Molecular Genetics and Genomics, ARUP Laboratories
Classification: Benign. Last evaluated: 2025-07-29. Review status: criteria provided, single submitter. Criteria: ARUP Molecular Germline Variant Investigation Process 2024. Collection method: clinical testing. Allele origin: germline.

Molecular Diagnostic Laboratory for Inherited Cardiovascular Disease, Montreal Heart Institute
Classification: Benign. Last evaluated: 2025-04-09. Review status: criteria provided, single submitter. Criteria: ACMG Guidelines, 2015. Collection method: clinical testing. Allele origin: germline. Affected: no.

Blueprint Genetics
Classification: Benign. Last evaluated: 2024-11-26. Review status: criteria provided, single submitter. Criteria: ACMG Guidelines, 2015. Collection method: clinical testing. Allele origin: germline.

Genome-Nilou Lab
Classification: Benign for Ehlers-Danlos syndrome, type 4. Last evaluated: 2021-07-22. Review status: criteria provided, single submitter. Criteria: ACMG Guidelines, 2015. Collection method: clinical testing. Allele origin: germline. Affected: no.

Genome-Nilou Lab
Classification: Benign for Polymicrogyria with or without vascular-type Ehlers-Danlos syndrome. Last evaluated: 2021-07-22. Review status: criteria provided, single submitter. Criteria: ACMG Guidelines, 2015. Collection method: clinical testing. Allele origin: germline. Affected: no.

Women's Health and Genetics/Laboratory Corporation of America, LabCorp
Classification: Benign. Last evaluated: 2019-05-01. Review status: criteria provided, single submitter. Criteria: LabCorp Variant Classification Summary - May 2015. Collection method: clinical testing. Allele origin: germline.
Comment: Variant summary: COL3A1 c.2244T>C alters a non-conserved nucleotide resulting in a synonymous change. The variant allele was found at a frequency of 0.23 in 219808 control chromosomes in the gnomAD database, including 6705 homozygotes, strongly suggesting that the variant is benign. To our knowledge, no occurrence of c.2244T>C in individuals affected with Aortopathy and no experimental evidence demonstrating its impact on protein function have been reported. Three clinical diagnostic laboratories have submitted clinical-significance assessments for this variant to ClinVar after 2014 without evidence for independent evaluation. All laboratories classified the variant as benign. Based on the evidence outlined above, the variant was classified as benign.

Color Diagnostics, LLC DBA Color Health
Classification: Benign for Familial thoracic aortic aneurysm and aortic dissection. Last evaluated: 2018-03-15. Review status: criteria provided, single submitter. Criteria: ACMG Guidelines, 2015. Collection method: clinical testing. Allele origin: germline.

Illumina Laboratory Services, Illumina
Classification: Benign for Ehlers-Danlos syndrome, type 4. Last evaluated: 2018-01-13. Review status: criteria provided, single submitter. Criteria: ICSL Variant Classification Criteria 13 December 2019. Collection method: clinical testing. Allele origin: germline.
Comment: This variant was observed in the ICSL laboratory as part of a predisposition screen in an ostensibly healthy population. It had not been previously curated by ICSL or reported in the Human Gene Mutation Database (HGMD: prior to June 1st, 2018), and was therefore a candidate for classification through an automated scoring system. Utilizing variant allele frequency, disease prevalence and penetrance estimates, and inheritance mode, an automated score was calculated to assess if this variant is too frequent to cause the disease. Based on the score and internal cut-off values, a variant classified as benign is not then subjected to further curation. The score for this variant resulted in a classification of benign for this disease.

Eurofins Ntd Llc (ga)
Classification: Benign. Last evaluated: 2016-08-05. Review status: criteria provided, single submitter. Criteria: EGL Classification Definitions 2015. Collection method: clinical testing. Allele origin: germline. Observed: 4 variant alleles, 3 heterozygotes, 1 homozygote.

Ambry Genetics
Classification: Benign for Familial thoracic aortic aneurysm and aortic dissection. Last evaluated: 2014-11-24. Review status: criteria provided, single submitter. Criteria: Ambry Variant Classification Scheme 2023. Collection method: clinical testing. Allele origin: germline.

Laboratory for Molecular Medicine, Mass General Brigham Personalized Medicine
Classification: Benign. Last evaluated: 2014-11-20. Review status: criteria provided, single submitter. Criteria: LMM Criteria. Collection method: clinical testing. Allele origin: germline. Observed: 25 variant alleles.
Comment: p.Gly748Gly in exon 32 of COL3A1: This variant is not expected to have clinical significance because it does not alter an amino acid residue and is not located within the splice consensus sequence. It has been identified in 29% (2489/8596) of European American chromosomes and 28% (1217/4406) of African American chromos omes by the NHLBI Exome Sequencing Project (d bSNP rs1801184).

Mayo Clinic Laboratories, Mayo Clinic
Classification: Benign. Last evaluated: 2014-02-26. Review status: criteria provided, single submitter. Criteria: ACMG Guidelines, 2015. Collection method: clinical testing. Allele origin: germline. Observed: 2,792 variant alleles.

GeneDx
Classification: Benign. Last evaluated: 2012-11-20. Review status: criteria provided, single submitter. Criteria: GeneDx Variant Classification (06012015). Collection method: clinical testing. Allele origin: germline. Affected: yes.
Comment: This variant is considered likely benign or benign based on one or more of the following criteria: it is a conservative change, it occurs at a poorly conserved position in the protein, it is predicted to be benign by multiple in silico algorithms, and/or has population frequency not consistent with disease.

Breakthrough Genomics
Classification: Benign. Review status: criteria provided, single submitter. Criteria: ACMG Guidelines, 2015. Collection method: not provided. Allele origin: germline. Inheritance: Autosomal recessive inheritance. Affected: yes.

PreventionGenetics, part of Exact Sciences
Classification: Benign. Review status: criteria provided, single submitter. Criteria: ACMG Guidelines, 2015. Collection method: clinical testing. Allele origin: germline.

Cohesion Phenomics
Classification: Benign for Ehlers-Danlos syndrome, type 4. Last evaluated: 2022-09-23. Review status: no assertion criteria provided. Criteria: ACMG Guidelines, 2015. Collection method: clinical testing. Allele origin: germline. Affected: yes. Not counted in ClinVar's aggregate classification.

Clinical Genetics DNA and cytogenetics Diagnostics Lab, Erasmus MC, Erasmus Medical Center
Classification: Benign. Review status: no assertion criteria provided. Collection method: clinical testing. Allele origin: germline. Affected: yes. Study: VKGL Data-share Consensus. Not counted in ClinVar's aggregate classification.

Genome Diagnostics Laboratory, Amsterdam University Medical Center
Classification: Benign. Review status: no assertion criteria provided. Collection method: clinical testing. Allele origin: germline. Affected: yes. Study: VKGL Data-share Consensus. Not counted in ClinVar's aggregate classification.

Literature cited by the submitters: PubMed 18272325 (cited by Women's Health and Genetics/Laboratory Corporation of America, LabCorp).

NM_000090.4(COL3A1):c.2244T>C (p.Gly748=)

Gene: COL3A1 (collagen type III alpha 1 chain; plus strand). Cytogenetic location: 2q32.2.
Variant type: single nucleotide variant.
Coding change: c.2244T>C on transcript NM_000090.4 (MANE Select); coding-DNA position 2244, T replaced by C.
Protein change: p.Gly748=; no amino-acid change (glycine 748 retained).
Molecular consequence: synonymous variant.
Genome position (GRCh38, 1-based): chr2:188,999,856, T>C. VCF-style: chr2-188999856-T-C. GRCh37 (hg19) VCF-style: chr2-189864582-T-C.
Other names: p.G748G:GGT>GGC; p.Gly748=.
Identifiers: ClinVar variation 136853 (VCV000136853.50), dbSNP rs1801184, ClinGen allele CA005256.